The following is an entry in ClinVar:

NM_000135.4(FANCA):c.2911G>A (p.Gly971Arg)

Gene: FANCA (FA complementation group A; minus strand). Cytogenetic location: 16q24.3.
Variant type: single nucleotide variant.
Coding change: c.2911G>A on transcript NM_000135.4 (MANE Select); coding-DNA position 2911, G replaced by A.
Protein change: p.Gly971Arg; replaces glycine 971 with arginine.
Molecular consequence: missense variant.
Genome position (GRCh38, 1-based): chr16:89,758,647, C>T on the plus strand (G>A on the coding strand, the complement: FANCA is on the minus strand). VCF-style: chr16-89758647-C-T. GRCh37 (hg19) VCF-style: chr16-89825055-C-T.
Other names: c.2911G>A, p.Gly971Arg (NM_001286167.3); short protein forms G971R.
Identifiers: ClinVar variation 4870875 (VCV004870875.1).

ClinVar aggregate classification (germline): Uncertain significance (1 of 4 stars; one submission).

Conditions:
Inborn genetic diseases. Identifiers: MedGen C0950123, MeSH D030342.

Submission:

Ambry Genetics
Classification: Uncertain significance for Inborn genetic diseases. Last evaluated: 2026-05-15. Review status: criteria provided, single submitter. Criteria: Ambry Variant Classification Scheme 2023. Collection method: clinical testing. Allele origin: germline.
Comment: The p.G971R variant (also known as c.2911G>A), located in coding exon 30 of the FANCA gene, results from a G to A substitution at nucleotide position 2911. The glycine at codon 971 is replaced by arginine, an amino acid with dissimilar properties. This amino acid position is conserved. In addition, this alteration is predicted to be deleterious by in silico analysis. Based on the available evidence, the clinical significance of this variant remains unclear.